The following is an entry in ClinVar:

NM_006231.4(POLE):c.6616G>A (p.Val2206Ile)

Gene: POLE (DNA polymerase epsilon, catalytic subunit; minus strand). Cytogenetic location: 12q24.33.
Variant type: single nucleotide variant.
Coding change: c.6616G>A on transcript NM_006231.4 (MANE Select); coding-DNA position 6616, G replaced by A.
Protein change: p.Val2206Ile; replaces valine 2206 with isoleucine.
Molecular consequence: missense variant.
Genome position (GRCh38, 1-based): chr12:132,625,686, C>T on the plus strand (G>A on the coding strand, the complement: POLE is on the minus strand). VCF-style: chr12-132625686-C-T. GRCh37 (hg19) VCF-style: chr12-133202272-C-T.
Other names: c.6616G>A (NM_006231.2); short protein forms V2206I.
Identifiers: ClinVar variation 3711369 (VCV003711369.3).

ClinVar aggregate classification (germline): Uncertain significance. Review status: criteria provided, multiple submitters, no conflicts (2 of 4 stars). 2 submissions from 2 submitters: Uncertain significance (2). Last evaluated 2025-10-26.

Conditions:
Hereditary cancer-predisposing syndrome. Also called: Hereditary neoplastic syndrome; Neoplastic Syndromes, Hereditary; Hereditary Cancer Syndrome; Tumor predisposition. Identifiers: Orphanet 140162, MedGen C0027672, MeSH D009386, MONDO:0015356.

gnomAD v4.1: 1 of 1,613,836 alleles (0.000062%); highest among the groups gnomAD compares: Admixed American, 0.0017%; no homozygotes.

Submissions (2):

Ambry Genetics
Classification: Uncertain significance for Hereditary cancer-predisposing syndrome. Last evaluated: 2025-10-26. Review status: criteria provided, single submitter. Criteria: Ambry Variant Classification Scheme 2023. Collection method: clinical testing. Allele origin: germline.
Comment: The p.V2206I variant (also known as c.6616G>A), located in coding exon 47 of the POLE gene, results from a G to A substitution at nucleotide position 6616. The valine at codon 2206 is replaced by isoleucine, an amino acid with highly similar properties. This amino acid position is conserved. In addition, this alteration is predicted to be tolerated by in silico analysis. Based on the available evidence, the clinical significance of this variant remains unclear.

Labcorp Genetics (formerly Invitae), Labcorp
Classification: Uncertain significance. Last evaluated: 2024-03-14. Review status: criteria provided, single submitter. Criteria: Invitae Variant Classification Sherloc (09022015). Collection method: clinical testing. Allele origin: germline.
Comment: This sequence change replaces valine, which is neutral and non-polar, with isoleucine, which is neutral and non-polar, at codon 2206 of the POLE protein (p.Val2206Ile). This variant is present in population databases (no rsID available, gnomAD 0.003%). This variant has not been reported in the literature in individuals affected with POLE-related conditions. Advanced modeling of protein sequence and biophysical properties (such as structural, functional, and spatial information, amino acid conservation, physicochemical variation, residue mobility, and thermodynamic stability) performed at Invitae indicates that this missense variant is not expected to disrupt POLE protein function with a negative predictive value of 80%. In summary, the available evidence is currently insufficient to determine the role of this variant in disease. Therefore, it has been classified as a Variant of Uncertain Significance.